The following is an entry in ClinVar:

ClinVar aggregate classification (germline): Uncertain significance. Review status: criteria provided, multiple submitters, no conflicts (2 of 4 stars). 2 submissions from 2 submitters: Uncertain significance (2). Last evaluated 2024-07-08.

Conditions:
Coffin-Siris syndrome 8. Identifiers: MedGen C5193054, MONDO:0032702, OMIM 618362.

Submissions (2):

Laboratorio de Genetica e Diagnostico Molecular, Hospital Israelita Albert Einstein
Classification: Uncertain significance for Coffin-Siris syndrome 8. Last evaluated: 2024-07-08. Review status: criteria provided, single submitter. Criteria: ACMG Guidelines, 2015. Collection method: clinical testing. Allele origin: germline. Affected: yes.
Comment: ACMG classification criteria: PM2 supporting, PP2 supporting

Mendelics
Classification: Uncertain significance. Last evaluated: 2022-05-04. Review status: criteria provided, single submitter. Criteria: Mendelics Assertion Criteria 2019. Collection method: clinical testing. Allele origin: germline.

NM_001330288.2(SMARCC2):c.914C>A (p.Pro305His)

Gene: SMARCC2 (SWI/SNF related BAF chromatin remodeling complex subunit C2; minus strand). Cytogenetic location: 12q13.2.
Variant type: single nucleotide variant.
Coding change: c.914C>A on transcript NM_001330288.2 (MANE Select); coding-DNA position 914, C replaced by A.
Protein change: p.Pro305His; replaces proline 305 with histidine.
Molecular consequence: missense variant.
Genome position (GRCh38, 1-based): chr12:56,181,524, G>T on the plus strand (C>A on the coding strand, the complement: SMARCC2 is on the minus strand). VCF-style: chr12-56181524-G-T. GRCh37 (hg19) VCF-style: chr12-56575308-G-T.
Other names: c.914C>A, p.Pro305His (NM_001130420.3, NM_003075.5, NM_139067.4); short protein forms P305H.
Identifiers: ClinVar variation 1685133 (VCV001685133.2), dbSNP rs757238844, ClinGen allele CA385353353.
Genomic context (GRCh38, chr12:56,181,524, plus strand): 5'-GGCTAGGGGCTGGCACACCCTTTCTTAGCATTTTTCTTCTTTGCTTCTGGGGTTGGTGAA[G>T]GAGAGGGGGAGCGCTTCCTCTTCTTATAGTTTCCCCCCTTCTTGTCCCGTCGATCTGAAT-3'
Protein context (NP_001317217.1, residues 295-315): NYKKRKRSPS[Pro305His]SPTPEAKKKN